The following is an entry in ClinVar:

ClinVar aggregate classification (germline): Uncertain significance. Review status: criteria provided, multiple submitters, no conflicts (2 of 4 stars). 2 submissions from 2 submitters: Uncertain significance (2). Last evaluated 2025-05-01.

Allele frequency attached by ClinVar (database versions not stated): ExAC 0.00004; gnomAD exomes 0.00006; TOPMed 0.00006.
gnomAD v4.1: 89 of 1,613,974 alleles (0.0055%); highest among the groups gnomAD compares: Admixed American, 0.017%; no homozygotes.

Submissions (2):

Ambry Genetics
Classification: Uncertain significance. Last evaluated: 2025-05-01. Review status: criteria provided, single submitter. Criteria: Ambry Variant Classification Scheme 2023. Collection method: clinical testing. Allele origin: germline.

Labcorp Genetics (formerly Invitae), Labcorp
Classification: Uncertain significance. Last evaluated: 2023-10-22. Review status: criteria provided, single submitter. Criteria: Invitae Variant Classification Sherloc (09022015). Collection method: clinical testing. Allele origin: germline.
Comment: This sequence change replaces serine, which is neutral and polar, with alanine, which is neutral and non-polar, at codon 410 of the CLIC5 protein (p.Ser410Ala). This variant is present in population databases (rs772163210, gnomAD 0.02%). This variant has not been reported in the literature in individuals affected with CLIC5-related conditions. ClinVar contains an entry for this variant (Variation ID: 2351870). An algorithm developed to predict the effect of missense changes on protein structure and function (PolyPhen-2) suggests that this variant is likely to be tolerated. In summary, the available evidence is currently insufficient to determine the role of this variant in disease. Therefore, it has been classified as a Variant of Uncertain Significance.

NM_016929.5(CLIC5):c.751T>G (p.Ser251Ala)

Gene: CLIC5 (chloride intracellular channel 5; minus strand). Cytogenetic location: 6p21.1.
Variant type: single nucleotide variant.
Coding change: c.751T>G on transcript NM_016929.5 (MANE Select); coding-DNA position 751, T replaced by G.
Protein change: p.Ser251Ala; replaces serine 251 with alanine.
Molecular consequence: missense variant. On other transcripts: non-coding transcript variant (2).
Genome position (GRCh38, 1-based): chr6:45,903,093, A>C on the plus strand (T>G on the coding strand, the complement: CLIC5 is on the minus strand). VCF-style: chr6-45903093-A-C. GRCh37 (hg19) VCF-style: chr6-45870830-A-C.
Other names: c.1228T>G, p.Ser410Ala (NM_001114086.2, NM_001370650.1); c.634T>G, p.Ser212Ala (NM_001370649.1); short protein forms S410A, S212A, S251A.
Identifiers: ClinVar variation 2351870 (VCV002351870.6), dbSNP rs772163210, ClinGen allele CA3836673.